The following is an entry in ClinVar:

ClinVar aggregate classification (germline): Uncertain significance (0 of 4 stars; one submission).

Conditions:
SPEN-related disorder. Also called: SPEN-related condition.

Submission:

PreventionGenetics, part of Exact Sciences
Classification: Uncertain significance for SPEN-related condition. Last evaluated: 2024-06-04. Review status: no assertion criteria provided. Collection method: clinical testing. Allele origin: germline.
Comment: The SPEN c.9541C>G variant is predicted to result in the amino acid substitution p.Gln3181Glu. To our knowledge, this variant has not been reported in the literature or in a large population database, indicating this variant is rare. At this time, the clinical significance of this variant is uncertain due to the absence of conclusive functional and genetic evidence.

NM_015001.3(SPEN):c.9541C>G (p.Gln3181Glu)

Gene: SPEN (spen family transcriptional repressor; plus strand). Cytogenetic location: 1p36.13.
Variant type: single nucleotide variant.
Coding change: c.9541C>G on transcript NM_015001.3 (MANE Select); coding-DNA position 9541, C replaced by G.
Protein change: p.Gln3181Glu; replaces glutamine 3181 with glutamic acid.
Molecular consequence: missense variant.
Genome position (GRCh38, 1-based): chr1:15,935,781, C>G. VCF-style: chr1-15935781-C-G. GRCh37 (hg19) VCF-style: chr1-16262276-C-G.
Other names: short protein forms Q3181E.
Identifiers: ClinVar variation 3348323 (VCV003348323.1).